The following is an entry in ClinVar:

NM_015338.6(ASXL1):c.2060G>A (p.Cys687Tyr)

Gene: ASXL1 (ASXL transcriptional regulator 1; plus strand). Cytogenetic location: 20q11.21.
Variant type: single nucleotide variant.
Coding change: c.2060G>A on transcript NM_015338.6 (MANE Select); coding-DNA position 2060, G replaced by A.
Protein change: p.Cys687Tyr; replaces cysteine 687 with tyrosine.
Molecular consequence: missense variant.
Genome position (GRCh38, 1-based): chr20:32,434,772, G>A. VCF-style: chr20-32434772-G-A. GRCh37 (hg19) VCF-style: chr20-31022575-G-A.
Other names: c.1877G>A, p.Cys626Tyr (NM_001363734.1); short protein forms C687Y, C626Y.
Identifiers: ClinVar variation 2984956 (VCV002984956.3), dbSNP rs142450571, ClinGen allele CA9808531.

ClinVar aggregate classification (germline): Uncertain significance (1 of 4 stars; one submission).

Allele frequency attached by ClinVar (database versions not stated): gnomAD exomes below 0.00001; ExAC 0.00001; gnomAD 0.00001; TOPMed 0.00001; ESP Exome Variant Server 0.00008.
gnomAD v4.1: 7 of 1,613,728 alleles (0.00043%); highest among the groups gnomAD compares: African/African-American, 0.0053%; no homozygotes.

Submission:

Labcorp Genetics (formerly Invitae), Labcorp
Classification: Uncertain significance. Last evaluated: 2024-01-08. Review status: criteria provided, single submitter. Criteria: Invitae Variant Classification Sherloc (09022015). Collection method: clinical testing. Allele origin: germline.
Comment: This sequence change replaces cysteine, which is neutral and slightly polar, with tyrosine, which is neutral and polar, at codon 687 of the ASXL1 protein (p.Cys687Tyr). This variant is present in population databases (rs142450571, gnomAD 0.007%). This variant has not been reported in the literature in individuals affected with ASXL1-related conditions. An algorithm developed to predict the effect of missense changes on protein structure and function (PolyPhen-2) suggests that this variant is likely to be tolerated. In summary, the available evidence is currently insufficient to determine the role of this variant in disease. Therefore, it has been classified as a Variant of Uncertain Significance.